The following is an entry in ClinVar:

ClinVar aggregate classification (germline): Uncertain significance. Review status: criteria provided, multiple submitters, no conflicts (2 of 4 stars). 2 submissions from 2 submitters: Uncertain significance (2). Last evaluated 2025-05-04.

gnomAD v4.1: 11 of 1,549,276 alleles (0.00071%); highest among the groups gnomAD compares: Non-Finnish European, 0.00096%; no homozygotes.

Submissions (2):

Ambry Genetics
Classification: Uncertain significance. Last evaluated: 2025-05-04. Review status: criteria provided, single submitter. Criteria: Ambry Variant Classification Scheme 2023. Collection method: clinical testing. Allele origin: germline.

Labcorp Genetics (formerly Invitae), Labcorp
Classification: Uncertain significance. Last evaluated: 2024-03-17. Review status: criteria provided, single submitter. Criteria: Invitae Variant Classification Sherloc (09022015). Collection method: clinical testing. Allele origin: germline.
Comment: This sequence change replaces glycine, which is neutral and non-polar, with alanine, which is neutral and non-polar, at codon 147 of the DTHD1 protein (p.Gly147Ala). This variant is present in population databases (no rsID available, gnomAD 0.002%). This variant has not been reported in the literature in individuals affected with DTHD1-related conditions. ClinVar contains an entry for this variant (Variation ID: 942926). An algorithm developed to predict the effect of missense changes on protein structure and function (PolyPhen-2) suggests that this variant is likely to be disruptive. In summary, the available evidence is currently insufficient to determine the role of this variant in disease. Therefore, it has been classified as a Variant of Uncertain Significance.

NM_001170700.3(DTHD1):c.1310G>C (p.Gly437Ala)

Gene: DTHD1 (death domain containing 1; plus strand). Cytogenetic location: 4p14.
Variant type: single nucleotide variant.
Coding change: c.1310G>C on transcript NM_001170700.3 (MANE Select); coding-DNA position 1310, G replaced by C.
Protein change: p.Gly437Ala; replaces glycine 437 with alanine.
Molecular consequence: missense variant. On other transcripts: non-coding transcript variant (2).
Genome position (GRCh38, 1-based): chr4:36,293,617, G>C. VCF-style: chr4-36293617-G-C. GRCh37 (hg19) VCF-style: chr4-36295239-G-C.
Other names: c.935G>C (NM_001170700.1); c.440G>C, p.Gly147Ala (NM_001136536.5); c.377G>C, p.Gly126Ala (NM_001378435.1); short protein forms G437A, G126A, G147A.
Identifiers: ClinVar variation 942926 (VCV000942926.10), dbSNP rs1056021890, ClinGen allele CA356679522.